The following is an entry in ClinVar:

NM_001369369.1(FOXN1):c.452C>A (p.Thr151Asn)

Gene: FOXN1 (forkhead box N1; plus strand). Cytogenetic location: 17q11.2.
Variant type: single nucleotide variant.
Coding change: c.452C>A on transcript NM_001369369.1 (MANE Select); coding-DNA position 452, C replaced by A.
Protein change: p.Thr151Asn; replaces threonine 151 with asparagine.
Molecular consequence: missense variant.
Genome position (GRCh38, 1-based): chr17:28,524,831, C>A. VCF-style: chr17-28524831-C-A. GRCh37 (hg19) VCF-style: chr17-26851849-C-A.
Other names: c.452C>A, p.Thr151Asn (NM_003593.3); short protein forms T151N.
Identifiers: ClinVar variation 1352300 (VCV001352300.8), dbSNP rs756015959, ClinGen allele CA289116328.

ClinVar aggregate classification (germline): Uncertain significance (1 of 4 stars; one submission).

Conditions:
T-cell immunodeficiency, congenital alopecia, and nail dystrophy. Also called: Congenital alopecia and nail dystrophy associated with severe functional T-cell immunodeficiency; Pignata Guarino syndrome. Identifiers: Orphanet 169095, MedGen C1866426, MONDO:0011132, OMIM 601705.

Allele frequency attached by ClinVar (database versions not stated): gnomAD exomes below 0.00001.
gnomAD v4.1: 3 of 1,613,768 alleles (0.00019%); highest among the groups gnomAD compares: Non-Finnish European, 0.00025%; no homozygotes.

Submission:

Labcorp Genetics (formerly Invitae), Labcorp
Classification: Uncertain significance for T-cell immunodeficiency, congenital alopecia, and nail dystrophy. Last evaluated: 2020-11-29. Review status: criteria provided, single submitter. Criteria: Invitae Variant Classification Sherloc (09022015). Collection method: clinical testing. Allele origin: germline.
Comment: Algorithms developed to predict the effect of missense changes on protein structure and function (SIFT, PolyPhen-2, Align-GVGD) all suggest that this variant is likely to be tolerated, but these predictions have not been confirmed by published functional studies and their clinical significance is uncertain. In summary, the available evidence is currently insufficient to determine the role of this variant in disease. Therefore, it has been classified as a Variant of Uncertain Significance. This variant has not been reported in the literature in individuals with FOXN1-related conditions. This variant is not present in population databases (ExAC no frequency). This sequence change replaces threonine with asparagine at codon 151 of the FOXN1 protein (p.Thr151Asn). The threonine residue is weakly conserved and there is a small physicochemical difference between threonine and asparagine.